The following is an entry in ClinVar:

ClinVar aggregate classification (germline): Uncertain significance (1 of 4 stars; one submission).

Conditions:
Joubert syndrome. Also called: CEREBELLOPARENCHYMAL DISORDER IV; JOUBERT-BOLTSHAUSER SYNDROME; Familial aplasia of the vermis. Identifiers: Orphanet 475, MedGen C5979921, MONDO:0018772.
Meckel-Gruber syndrome. Also called: DYSENCEPHALIA SPLANCHNOCYSTICA; GRUBER SYNDROME; Dysencephalia splachnocystica. Identifiers: Orphanet 564, MedGen C0265215, MONDO:0018921.

Allele frequency attached by ClinVar (database versions not stated): ExAC 0.00001; gnomAD 0.00001; gnomAD exomes 0.00001; TOPMed 0.00002.
gnomAD v4.1: 13 of 1,614,036 alleles (0.00081%); highest among the groups gnomAD compares: South Asian, 0.0011%; no homozygotes.

Submission:

Labcorp Genetics (formerly Invitae), Labcorp
Classification: Uncertain significance for Joubert syndrome; Meckel-Gruber syndrome. Last evaluated: 2022-07-19. Review status: criteria provided, single submitter. Criteria: Invitae Variant Classification Sherloc (09022015). Collection method: clinical testing. Allele origin: germline.
Comment: In summary, the available evidence is currently insufficient to determine the role of this variant in disease. Therefore, it has been classified as a Variant of Uncertain Significance. Algorithms developed to predict the effect of missense changes on protein structure and function are either unavailable or do not agree on the potential impact of this missense change (SIFT: "Deleterious"; PolyPhen-2: "Possibly Damaging"; Align-GVGD: "Class C15"). This variant has not been reported in the literature in individuals affected with TCTN1-related conditions. This variant is present in population databases (rs761052936, gnomAD 0.0009%). This sequence change replaces proline, which is neutral and non-polar, with leucine, which is neutral and non-polar, at codon 111 of the TCTN1 protein (p.Pro111Leu).

NM_001082538.3(TCTN1):c.332C>T (p.Pro111Leu)

Gene: TCTN1 (tectonic family member 1; plus strand). Cytogenetic location: 12q24.11.
Variant type: single nucleotide variant.
Coding change: c.332C>T on transcript NM_001082538.3 (MANE Select); coding-DNA position 332, C replaced by T.
Protein change: p.Pro111Leu; replaces proline 111 with leucine.
Molecular consequence: missense variant. On other transcripts: 5 prime UTR variant (1), non-coding transcript variant (1).
Genome position (GRCh38, 1-based): chr12:110,619,947, C>T. VCF-style: chr12-110619947-C-T. GRCh37 (hg19) VCF-style: chr12-111057752-C-T.
Other names: c.332C>T, p.Pro111Leu (NM_001082537.3, NM_001319680.2, NM_024549.6); c.164C>T, p.Pro55Leu (NM_001173975.3, NM_001319682.3); c.152C>T, p.Pro51Leu (NM_001173976.2); c.-376C>T (NM_001319681.2); short protein forms P111L, P51L, P55L.
Identifiers: ClinVar variation 2416357 (VCV002416357.7), dbSNP rs761052936, ClinGen allele CA6786524.